The following is an entry in ClinVar:

ClinVar aggregate classification (germline): Uncertain significance. Review status: criteria provided, multiple submitters, no conflicts (2 of 4 stars). 2 submissions from 2 submitters: Uncertain significance (2). Last evaluated 2023-11-28.

Conditions:
Inborn genetic diseases. Identifiers: MedGen C0950123, MeSH D030342.

Allele frequency attached by ClinVar (database versions not stated): gnomAD 0.00001; gnomAD exomes 0.00001; ExAC 0.00002; TOPMed 0.00002.
gnomAD v4.1: 14 of 1,613,906 alleles (0.00087%); highest among the groups gnomAD compares: Admixed American, 0.015%; no homozygotes.

Submissions (2):

Ambry Genetics
Classification: Uncertain significance for Inborn genetic diseases. Last evaluated: 2023-11-28. Review status: criteria provided, single submitter. Criteria: Ambry Variant Classification Scheme 2023. Collection method: clinical testing. Allele origin: germline.

Labcorp Genetics (formerly Invitae), Labcorp
Classification: Uncertain significance. Last evaluated: 2022-07-27. Review status: criteria provided, single submitter. Criteria: Invitae Variant Classification Sherloc (09022015). Collection method: clinical testing. Allele origin: germline.
Comment: This sequence change replaces arginine, which is basic and polar, with tryptophan, which is neutral and slightly polar, at codon 184 of the PDP1 protein (p.Arg184Trp). This variant is present in population databases (rs775429341, gnomAD 0.02%). This variant has not been reported in the literature in individuals affected with PDP1-related conditions. Algorithms developed to predict the effect of missense changes on protein structure and function are either unavailable or do not agree on the potential impact of this missense change (SIFT: "Deleterious"; PolyPhen-2: "Possibly Damaging"; Align-GVGD: "Class C0"). In summary, the available evidence is currently insufficient to determine the role of this variant in disease. Therefore, it has been classified as a Variant of Uncertain Significance.

NM_018444.4(PDP1):c.550C>T (p.Arg184Trp)

Gene: PDP1 (pyruvate dehydrogenase phosphatase catalytic subunit 1; plus strand). Cytogenetic location: 8q22.1.
Variant type: single nucleotide variant.
Coding change: c.550C>T on transcript NM_018444.4 (MANE Select); coding-DNA position 550, C replaced by T.
Protein change: p.Arg184Trp; replaces arginine 184 with tryptophan.
Molecular consequence: missense variant.
Genome position (GRCh38, 1-based): chr8:93,922,609, C>T. VCF-style: chr8-93922609-C-T. GRCh37 (hg19) VCF-style: chr8-94934837-C-T.
Other names: c.625C>T, p.Arg209Trp (NM_001161779.2, NM_001161780.2); c.550C>T, p.Arg184Trp (NM_001161781.2); c.550C>T (NM_018444.3); short protein forms R209W, R184W.
Identifiers: ClinVar variation 2078705 (VCV002078705.2), dbSNP rs775429341, ClinGen allele CA4808712.